The following is an entry in ClinVar:

NM_001035.3(RYR2):c.6793G>T (p.Val2265Leu)

Gene: RYR2 (ryanodine receptor 2; plus strand). Cytogenetic location: 1q43.
Variant type: single nucleotide variant.
Coding change: c.6793G>T on transcript NM_001035.3 (MANE Select); coding-DNA position 6793, G replaced by T.
Protein change: p.Val2265Leu; replaces valine 2265 with leucine.
Molecular consequence: missense variant.
Genome position (GRCh38, 1-based): chr1:237,638,357, G>T. VCF-style: chr1-237638357-G-T. GRCh37 (hg19) VCF-style: chr1-237801657-G-T.
Other names: c.6793G>T (NM_001035.2); short protein forms V2265L.
Identifiers: ClinVar variation 4767986 (VCV004767986.2).

ClinVar aggregate classification (germline): Uncertain significance. Review status: criteria provided, multiple submitters, no conflicts (2 of 4 stars). 2 submissions from 2 submitters: Uncertain significance (2). Last evaluated 2026-03-02.

Conditions:
Catecholaminergic polymorphic ventricular tachycardia 1. Also called: VENTRICULAR TACHYCARDIA, STRESS-INDUCED POLYMORPHIC 1; VENTRICULAR TACHYCARDIA, CATECHOLAMINERGIC POLYMORPHIC, 1, WITH OR WITHOUT ATRIAL DYSFUNCTION AND/OR DILATED CARDIOMYOPATHY; RYR2-Related Catecholaminergic Polymorphic Ventricular Tachycardia. Identifiers: Orphanet 3286, MedGen C1631597, MONDO:0011484, OMIM 604772.
Cardiovascular phenotype. Identifiers: MedGen CN230736.

gnomAD v4.1: 1 of 1,613,810 alleles (0.000062%); highest among the groups gnomAD compares: Non-Finnish European, 0.000085%; no homozygotes.

Submissions (2):

Ambry Genetics
Classification: Uncertain significance for Cardiovascular phenotype. Last evaluated: 2026-03-02. Review status: criteria provided, single submitter. Criteria: Ambry Variant Classification Scheme 2023. Collection method: clinical testing. Allele origin: germline.
Comment: The p.V2265L variant (also known as c.6793G>T) is located in coding exon 45 of the RYR2 gene. The valine at codon 2265 is replaced by leucine, an amino acid with highly similar properties. This change occurs in the first base pair of coding exon 45. This amino acid position is highly conserved in available vertebrate species. In addition, this alteration is predicted to be deleterious by in silico analysis. Based on the available evidence, the clinical significance of this variant remains unclear.

Labcorp Genetics (formerly Invitae), Labcorp
Classification: Uncertain significance for Catecholaminergic polymorphic ventricular tachycardia 1. Last evaluated: 2025-12-20. Review status: criteria provided, single submitter. Criteria: Invitae Variant Classification Sherloc (09022015). Collection method: clinical testing. Allele origin: germline.
Comment: This sequence change replaces valine, which is neutral and non-polar, with leucine, which is neutral and non-polar, at codon 2265 of the RYR2 protein (p.Val2265Leu). This variant is not present in population databases (gnomAD no frequency). This variant has not been reported in the literature in individuals affected with RYR2-related conditions. An algorithm developed to predict the effect of missense changes on protein structure and function (PolyPhen-2) suggests that this variant is likely to be disruptive. Algorithms developed to predict the effect of sequence changes on RNA splicing suggest that this variant may disrupt the consensus splice site. In summary, the available evidence is currently insufficient to determine the role of this variant in disease. Therefore, it has been classified as a Variant of Uncertain Significance.